The following is an entry in ClinVar:

ClinVar aggregate classification (germline): Pathogenic (1 of 4 stars; one submission).

Conditions:
Cystinuria (CSNU). Also called: CYSTINURIA, TYPE I; CYSTINURIA, TYPE II; CYSTINURIA, TYPE III; Cystinuria, non-type I. Identifiers: Orphanet 214, MedGen C0010691, MONDO:0009067, OMIM 220100, HP:0003131.

Submission:

Labcorp Genetics (formerly Invitae), Labcorp
Classification: Pathogenic for Cystinuria. Last evaluated: 2023-08-27. Review status: criteria provided, single submitter. Criteria: Invitae Variant Classification Sherloc (09022015). Collection method: clinical testing. Allele origin: germline.
Comment: For these reasons, this variant has been classified as Pathogenic. This variant has not been reported in the literature in individuals affected with SLC3A1-related conditions. This variant is not present in population databases (gnomAD no frequency). This sequence change creates a premature translational stop signal (p.Tyr259Trpfs*8) in the SLC3A1 gene. It is expected to result in an absent or disrupted protein product. Loss-of-function variants in SLC3A1 are known to be pathogenic (PMID: 24610330, 25109415, 25964309).

Literature cited by the submitters: PubMed 24610330; PubMed 25109415; PubMed 25964309.

NM_000341.4(SLC3A1):c.774_775del (p.Tyr259fs)

Gene: SLC3A1 (solute carrier family 3 member 1; plus strand). Cytogenetic location: 2p21.
Variant type: Microsatellite.
Coding change: c.774_775del on transcript NM_000341.4 (MANE Select); coding-DNA positions 774 to 775, 2 bases deleted (GT; older notation c.774_775delGT).
Protein change: p.Tyr259fs; shifts the reading frame from tyrosine 259.
Molecular consequence: frameshift variant.
Genome position (GRCh38, 1-based): chr2:44,286,040-44,286,041, GT deleted; deleting any 2 consecutive bases within chr2:44,286,036-44,286,041 gives the same sequence; the c. name uses the placement nearest the transcript's 3' end. VCF-style (leftmost placement, unchanged base first): chr2-44286035-AGT-A. GRCh37 (hg19) VCF-style: chr2-44513174-AGT-A.
Other names: short protein forms Y259fs.
Identifiers: ClinVar variation 2755673 (VCV002755673.3), dbSNP rs2465901443, ClinGen allele CA2697548030.
Genomic context (GRCh38, chr2:44,286,035, plus strand): 5'-TTATTTGTGGGCAATACCATTATAGGTCACTGATGTGCTGTTTTCTTTGTTTGCCAGTTA[AGT>A]GTGTATGGAAACTCCAGTTGGCACTTTGACGAAGTGCGAAACCAATGTTATTTTCATCAG-3'